The following is an entry in ClinVar:

NM_000038.6(APC):c.501A>C (p.Lys167Asn)

Gene: APC (APC regulator of Wnt signaling pathway; plus strand). Cytogenetic location: 5q22.2.
Variant type: single nucleotide variant.
Coding change: c.501A>C on transcript NM_000038.6 (MANE Select); coding-DNA position 501, A replaced by C.
Protein change: p.Lys167Asn; replaces lysine 167 with asparagine.
Molecular consequence: missense variant. On other transcripts: 5 prime UTR variant (4), non-coding transcript variant (2).
Genome position (GRCh38, 1-based): chr5:112,775,707, A>C. VCF-style: chr5-112775707-A-C. GRCh37 (hg19) VCF-style: chr5-112111404-A-C.
Other names: c.501A>C, p.Lys167Asn (NM_001127510.3, NM_001354895.2, NM_001354896.2 and 16 more transcripts); c.531A>C, p.Lys177Asn (NM_001127511.3, NM_001354897.2, NM_001354902.2 and 1 more transcripts); c.426A>C, p.Lys142Asn (NM_001354898.2, NM_001354904.2, NM_001407451.1); c.324A>C, p.Lys108Asn (NM_001354900.2, NM_001354901.2, NM_001354905.2 and 1 more transcripts); c.-535A>C (NM_001354906.2, NM_001407470.1, NM_001407471.1 and 1 more transcripts); short protein forms K167N, K142N, K177N, K108N.
Identifiers: ClinVar variation 2566991 (VCV002566991.5), dbSNP rs1561478295, ClinGen allele CA16022419.

ClinVar aggregate classification (germline): Uncertain significance. Review status: criteria provided, multiple submitters, no conflicts (2 of 4 stars). 2 submissions from 2 submitters: Uncertain significance (2). Last evaluated 2024-03-12.

Conditions:
Hereditary cancer-predisposing syndrome. Also called: Hereditary neoplastic syndrome; Hereditary Cancer Syndrome; Neoplastic Syndromes, Hereditary; Tumor predisposition. Identifiers: Orphanet 140162, MedGen C0027672, MeSH D009386, MONDO:0015356.
Familial adenomatous polyposis 1 (FAP1). Also called: POLYPOSIS, ADENOMATOUS INTESTINAL; FAMILIAL ADENOMATOUS POLYPOSIS 1, ATTENUATED. Identifiers: MedGen C2713442, MONDO:0021056, OMIM 175100. Disease mechanism: loss of function.

gnomAD v4.1: 1 of 1,596,702 alleles (0.000063%); highest among the groups gnomAD compares: Non-Finnish European, 0.000085%; no homozygotes.

Submissions (2):

Labcorp Genetics (formerly Invitae), Labcorp
Classification: Uncertain significance for Familial adenomatous polyposis 1. Last evaluated: 2024-03-12. Review status: criteria provided, single submitter. Criteria: Invitae Variant Classification Sherloc (09022015). Collection method: clinical testing. Allele origin: germline.
Comment: This sequence change replaces lysine, which is basic and polar, with asparagine, which is neutral and polar, at codon 167 of the APC protein (p.Lys167Asn). This variant is present in population databases (no rsID available, gnomAD 0.0009%). This variant has not been reported in the literature in individuals affected with APC-related conditions. ClinVar contains an entry for this variant (Variation ID: 2566991). Advanced modeling of protein sequence and biophysical properties (such as structural, functional, and spatial information, amino acid conservation, physicochemical variation, residue mobility, and thermodynamic stability) performed at Invitae indicates that this missense variant is not expected to disrupt APC protein function with a negative predictive value of 95%. In summary, the available evidence is currently insufficient to determine the role of this variant in disease. Therefore, it has been classified as a Variant of Uncertain Significance.

Ambry Genetics
Classification: Uncertain significance for Hereditary cancer-predisposing syndrome. Last evaluated: 2023-05-03. Review status: criteria provided, single submitter. Criteria: Ambry Variant Classification Scheme 2023. Collection method: clinical testing. Allele origin: germline.
Comment: The p.K167N variant (also known as c.501A>C), located in coding exon 4 of the APC gene, results from an A to C substitution at nucleotide position 501. The lysine at codon 167 is replaced by asparagine, an amino acid with similar properties. This amino acid position is highly conserved in available vertebrate species. In addition, in silico predictors for this gene do not accurately predict pathogenicity. Since supporting evidence is limited at this time, the clinical significance of this alteration remains unclear.